The following is an entry in ClinVar:

NM_001267550.2(TTN):c.20667del (p.Glu6890fs)

Gene: TTN (titin; minus strand). Cytogenetic location: 2q31.2.
Variant type: Deletion.
Coding change: c.20667del on transcript NM_001267550.2 (MANE Select); coding-DNA position 20667, one base deleted (A; older notation c.20667delA).
Protein change: p.Glu6890fs; shifts the reading frame from glutamic acid 6890.
Molecular consequence: frameshift variant. On other transcripts: intron variant (3).
Genome position (GRCh38, 1-based): chr2:178,725,537, T deleted on the plus strand (A on the coding strand, the reverse complement: TTN is on the minus strand); the first of 3 consecutive T bases (chr2:178,725,537-178,725,539); deleting any one gives the same sequence. VCF-style (leftmost placement, unchanged base first): chr2-178725536-CT-C. GRCh37 (hg19) VCF-style: chr2-179590263-CT-C.
Other names: c.19716del, p.Glu6573fs (NM_001256850.1); c.16935del, p.Glu5646fs (NM_133378.4); c.13282+12545del (NM_003319.4); c.13858+12545del (NM_133437.4); c.13657+12545del (NM_133432.3); short protein forms E5646fs, E6573fs, E6890fs.
Identifiers: ClinVar variation 2418226 (VCV002418226.8), dbSNP rs2529693217, ClinGen allele CA2577173978.

ClinVar aggregate classification (germline): Likely pathogenic (1 of 4 stars; one submission).

Conditions:
Autosomal recessive limb-girdle muscular dystrophy type 2J (LGMDR10). Also called: Limb-girdle muscular dystrophy, type 2J; MUSCULAR DYSTROPHY, LIMB-GIRDLE, AUTOSOMAL RECESSIVE 10. Identifiers: Orphanet 140922, MedGen C1837342, MONDO:0012127, OMIM 608807.
Dilated cardiomyopathy 1G (CMD1G). Identifiers: Orphanet 154, MedGen C1858763, MONDO:0011400, OMIM 604145.

Submission:

Labcorp Genetics (formerly Invitae), Labcorp
Classification: Likely pathogenic for Dilated cardiomyopathy 1G; Autosomal recessive limb-girdle muscular dystrophy type 2J. Last evaluated: 2024-11-04. Review status: criteria provided, single submitter. Criteria: Invitae Variant Classification Sherloc (09022015). Collection method: clinical testing. Allele origin: germline.
Comment: This sequence change creates a premature translational stop signal (p.Glu6890Argfs*5) in the TTN gene. While this is not anticipated to result in nonsense mediated decay, it is expected to create a truncated TTN protein. This variant is not present in population databases (gnomAD no frequency). This variant has not been reported in the literature in individuals affected with TTN-related conditions. ClinVar contains an entry for this variant (Variation ID: 2418226). This variant is located in the I band of TTN (PMID: 25589632). Truncating variants in this region have been reported in individuals affected with autosomal recessive centronuclear myopathy (PMID: 23975875, internal data). Truncating variants in this region have also been identified in individuals affected with autosomal dominant dilated cardiomyopathy and/or cardio-related conditions (PMID: 27869827, 32964742, internal data). In summary, the currently available evidence indicates that the variant is pathogenic, but additional data are needed to prove that conclusively. Therefore, this variant has been classified as Likely Pathogenic.

Literature cited by the submitters: PubMed 25589632; PubMed 23975875; PubMed 27869827; PubMed 32964742.